The following is an entry in ClinVar:

NM_014159.7(SETD2):c.1682A>G (p.Lys561Arg)

Gene: SETD2 (SET domain containing 2, histone lysine methyltransferase; minus strand). Cytogenetic location: 3p21.31.
Variant type: single nucleotide variant.
Coding change: c.1682A>G on transcript NM_014159.7 (MANE Select); coding-DNA position 1682, A replaced by G.
Protein change: p.Lys561Arg; replaces lysine 561 with arginine.
Molecular consequence: missense variant. On other transcripts: non-coding transcript variant (1).
Genome position (GRCh38, 1-based): chr3:47,122,954, T>C on the plus strand (A>G on the coding strand, the complement: SETD2 is on the minus strand). VCF-style: chr3-47122954-T-C. GRCh37 (hg19) VCF-style: chr3-47164444-T-C.
Other names: c.1550A>G, p.Lys517Arg (NM_001349370.3); short protein forms K517R, K561R.
Identifiers: ClinVar variation 1006667 (VCV001006667.5), dbSNP rs770524703, ClinGen allele CA2363646.
Genomic context (GRCh38, chr3:47,122,954, plus strand): 5'-TCTTCATTTAATTCTGTACAACAGAAAGAATTTTTAAATTTATCAGACTTGGGTATAGGT[T>C]TTGAAAGGGTAGATTTATAACGGGAAGCACTACTGTCATGCTTAGAATATGATGACCCTC-3'
Protein context (NP_054878.5, residues 551-571): SASRYKSTLS[Lys561Arg]PIPKSDKFKN

ClinVar aggregate classification (germline): Uncertain significance (1 of 4 stars; one submission).

Conditions:
Luscan-Lumish syndrome. Identifiers: Orphanet 597738, MedGen C4085873, MONDO:0014791, OMIM 616831.

Allele frequency attached by ClinVar (database versions not stated): gnomAD exomes below 0.00001; ExAC 0.00001.
gnomAD v4.1: 1 of 1,613,630 alleles (0.000062%); highest among the groups gnomAD compares: Non-Finnish European, 0.000085%; no homozygotes.

Submission:

Labcorp Genetics (formerly Invitae), Labcorp
Classification: Uncertain significance for Luscan-Lumish syndrome. Last evaluated: 2024-10-30. Review status: criteria provided, single submitter. Criteria: Invitae Variant Classification Sherloc (09022015). Collection method: clinical testing. Allele origin: germline.
Comment: This sequence change replaces lysine, which is basic and polar, with arginine, which is basic and polar, at codon 561 of the SETD2 protein (p.Lys561Arg). This variant is present in population databases (rs770524703, gnomAD 0.0009%). This variant has not been reported in the literature in individuals affected with SETD2-related conditions. ClinVar contains an entry for this variant (Variation ID: 1006667). Invitae Evidence Modeling of protein sequence and biophysical properties (such as structural, functional, and spatial information, amino acid conservation, physicochemical variation, residue mobility, and thermodynamic stability) indicates that this missense variant is not expected to disrupt SETD2 protein function with a negative predictive value of 80%. In summary, the available evidence is currently insufficient to determine the role of this variant in disease. Therefore, it has been classified as a Variant of Uncertain Significance.